The following is an entry in ClinVar:

ClinVar aggregate classification (germline): Pathogenic (1 of 4 stars; one submission).

Submission:

Labcorp Genetics (formerly Invitae), Labcorp
Classification: Pathogenic. Last evaluated: 2022-03-03. Review status: criteria provided, single submitter. Criteria: Invitae Variant Classification Sherloc (09022015). Collection method: clinical testing. Allele origin: germline.
Comment: This variant is a gross deletion of the genomic region encompassing exon(s) 18 of the LOXHD1 gene. This deletion is out-of-frame, and is expected to create a premature termination codon and result in an absent or disrupted protein product. Loss-of-function variants in LOXHD1 are known to be pathogenic (PMID: 19732867, 21465660, 25792669). This variant has not been reported in the literature in individuals affected with LOXHD1-related conditions. For these reasons, this variant has been classified as Pathogenic.

Literature cited by the submitters: PubMed 19732867; PubMed 21465660; PubMed 25792669.

NC_000018.9:g.(?_44143018)_(44143198_?)del

Gene: LOXHD1 (lipoxygenase homology PLAT domains 1; minus strand). Cytogenetic location: 18q21.1.
Variant type: Deletion.
Identifiers: ClinVar variation 2427294 (VCV002427294.3).